The following is an entry in ClinVar:

ClinVar aggregate classification (germline): Conflicting classifications of pathogenicity. Review status: criteria provided, conflicting classifications (1 of 4 stars). 2 submissions from 2 submitters: Uncertain significance (1); Likely benign (1). Last evaluated 2025-11-01.

Conditions:
Inborn genetic diseases. Identifiers: MedGen C0950123, MeSH D030342.

gnomAD v4.1: 9 of 1,613,850 alleles (0.00056%); highest among the groups gnomAD compares: Admixed American, 0.015%; no homozygotes.

Submissions (2):

CeGaT Center for Human Genetics Tuebingen
Classification: Likely benign. Last evaluated: 2025-11-01. Review status: criteria provided, single submitter. Criteria: CeGaT Center For Human Genetics Tuebingen Variant Classification Criteria Version 2. Collection method: clinical testing. Allele origin: germline. Affected: yes. Observed: 1 variant allele.
Comment: BAZ2B: BP4

Ambry Genetics
Classification: Uncertain significance for Inborn genetic diseases. Last evaluated: 2025-10-22. Review status: criteria provided, single submitter. Criteria: Ambry Variant Classification Scheme 2023. Collection method: clinical testing. Allele origin: germline.

NM_013450.4(BAZ2B):c.2143C>T (p.Pro715Ser)

Gene: BAZ2B (bromodomain adjacent to zinc finger domain 2B; minus strand). Cytogenetic location: 2q24.2.
Variant type: single nucleotide variant.
Coding change: c.2143C>T on transcript NM_013450.4 (MANE Select); coding-DNA position 2143, C replaced by T.
Protein change: p.Pro715Ser; replaces proline 715 with serine.
Molecular consequence: missense variant.
Genome position (GRCh38, 1-based): chr2:159,430,914, G>A on the plus strand (C>T on the coding strand, the complement: BAZ2B is on the minus strand). VCF-style: chr2-159430914-G-A. GRCh37 (hg19) VCF-style: chr2-160287425-G-A.
Other names: c.2137C>T, p.Pro713Ser (NM_001289975.1); c.1954C>T, p.Pro652Ser (NM_001329857.2); c.2143C>T, p.Pro715Ser (NM_001329858.2); c.2143C>T (NM_013450.2); short protein forms P652S, P713S, P715S.
Identifiers: ClinVar variation 4535475 (VCV004535475.6).